The following is an entry in ClinVar:

NM_002474.3(MYH11):c.4850C>T (p.Ala1617Val)

Genes: NDE1 (nudE neurodevelopment protein 1; plus strand), MYH11 (myosin heavy chain 11; minus strand). Cytogenetic location: 16p13.11.
Variant type: single nucleotide variant.
Coding change: c.4850C>T on transcript NM_002474.3 (MANE Select); coding-DNA position 4850, C replaced by T.
Protein change: p.Ala1617Val; replaces alanine 1617 with valine.
Molecular consequence: missense variant. On other transcripts: intron variant (2).
Genome position (GRCh38, 1-based): chr16:15,720,254, G>A on the plus strand (C>T on the coding strand, the complement: MYH11 is on the minus strand). VCF-style: chr16-15720254-G-A. GRCh37 (hg19) VCF-style: chr16-15814111-G-A.
Other names: c.4871C>T, p.Ala1624Val (NM_001040113.2, NM_001040114.2); c.4850C>T, p.Ala1617Val (NM_022844.3); c.948-3937G>A (NM_001143979.2, NM_017668.3); short protein forms A1624V, A1617V.
Identifiers: ClinVar variation 924409 (VCV000924409.16), dbSNP rs767053316, ClinGen allele CA7921523.

ClinVar aggregate classification (germline): Uncertain significance. Review status: criteria provided, multiple submitters, no conflicts (2 of 4 stars). 4 submissions from 4 submitters: Uncertain significance (4). Last evaluated 2025-11-27.

Conditions:
Familial thoracic aortic aneurysm and aortic dissection (TAAD). Also called: Thoracic aortic aneurysms and dissections. Identifiers: Orphanet 91387, MedGen C4707243, MONDO:0019625.
Aortic aneurysm, familial thoracic 4 (AAT4). Also called: AORTIC ANEURYSM/AORTIC DISSECTION AND PATENT DUCTUS ARTERIOSUS. Identifiers: MedGen C1851504, MONDO:0007568, OMIM 132900.

Allele frequency attached by ClinVar (database versions not stated): gnomAD exomes below 0.00001 and 0.00001; TOPMed below 0.00001; ExAC 0.00001; gnomAD 0.00001.
gnomAD v4.1: 16 of 1,614,006 alleles (0.00099%); highest among the groups gnomAD compares: Non-Finnish European, 0.0013%; no homozygotes.

Submissions (4):

Labcorp Genetics (formerly Invitae), Labcorp
Classification: Uncertain significance for Aortic aneurysm, familial thoracic 4. Last evaluated: 2025-11-27. Review status: criteria provided, single submitter. Criteria: Invitae Variant Classification Sherloc (09022015). Collection method: clinical testing. Allele origin: germline.
Comment: This sequence change replaces alanine, which is neutral and non-polar, with valine, which is neutral and non-polar, at codon 1624 of the MYH11 protein (p.Ala1624Val). This variant is present in population databases (rs767053316, gnomAD 0.007%). This variant has not been reported in the literature in individuals affected with MYH11-related conditions. ClinVar contains an entry for this variant (Variation ID: 924409). Invitae Evidence Modeling of protein sequence and biophysical properties (such as structural, functional, and spatial information, amino acid conservation, physicochemical variation, residue mobility, and thermodynamic stability) indicates that this missense variant is not expected to disrupt MYH11 protein function with a negative predictive value of 95%. In summary, the available evidence is currently insufficient to determine the role of this variant in disease. Therefore, it has been classified as a Variant of Uncertain Significance.

Ambry Genetics
Classification: Uncertain significance for Familial thoracic aortic aneurysm and aortic dissection. Last evaluated: 2024-06-09. Review status: criteria provided, single submitter. Criteria: Ambry Variant Classification Scheme 2023. Collection method: clinical testing. Allele origin: germline.
Comment: The p.A1617V variant (also known as c.4850C>T), located in coding exon 33 of the MYH11 gene, results from a C to T substitution at nucleotide position 4850. The alanine at codon 1617 is replaced by valine, an amino acid with similar properties. This amino acid position is conserved. In addition, the in silico prediction for this alteration is inconclusive. Based on the available evidence, the clinical significance of this variant remains unclear.

All of Us Research Program, National Institutes of Health
Classification: Uncertain significance for Familial thoracic aortic aneurysm and aortic dissection. Last evaluated: 2024-05-14. Review status: criteria provided, single submitter. Criteria: ACMG Guidelines, 2015. Collection method: clinical testing. Allele origin: germline. Inheritance: Autosomal dominant inheritance. Observed: 4 variant alleles, 4 heterozygotes.
Comment: This missense variant replaces alanine with valine at codon 1624 of the MYH11 protein. Computational prediction suggests that this variant may not impact protein structure and function (internally defined REVEL score threshold <= 0.5, PMID: 27666373). Splice site prediction tools suggest that this variant may not impact RNA splicing. To our knowledge, functional studies have not been performed for this variant. This variant has not been reported in individuals affected with cardiovascular disorders in the literature. This variant has been identified in 1/251450 chromosomes in the general population by the Genome Aggregation Database (gnomAD). The available evidence is insufficient to determine the role of this variant in disease conclusively. Therefore, this variant is classified as a Variant of Uncertain Significance.

This study involves interpretation of variants in research participants for the purpose of population health screening. Participant phenotype was not available at the time of variant classification. Additional details can be found in publication PMID: 35346344, PMCID: PMC8962531

Color Diagnostics, LLC DBA Color Health
Classification: Uncertain significance for Familial thoracic aortic aneurysm and aortic dissection. Last evaluated: 2024-03-06. Review status: criteria provided, single submitter. Criteria: ACMG Guidelines, 2015. Collection method: clinical testing. Allele origin: germline.
Comment: This missense variant replaces alanine with valine at codon 1624 of the MYH11 protein. Computational prediction suggests that this variant may not impact protein structure and function (internally defined REVEL score threshold <= 0.5, PMID: 27666373). Splice site prediction tools suggest that this variant may not impact RNA splicing. To our knowledge, functional studies have not been performed for this variant. This variant has not been reported in individuals affected with cardiovascular disorders in the literature. This variant has been identified in 1/251450 chromosomes in the general population by the Genome Aggregation Database (gnomAD). The available evidence is insufficient to determine the role of this variant in disease conclusively. Therefore, this variant is classified as a Variant of Uncertain Significance.